The following is an entry in ClinVar:

NM_001267550.2(TTN):c.61483C>G (p.Arg20495Gly)

Genes: TTN (titin; minus strand), TTN-AS1 (TTN antisense RNA 1; plus strand). Cytogenetic location: 2q31.2.
Variant type: single nucleotide variant.
Coding change: c.61483C>G on transcript NM_001267550.2 (MANE Select); coding-DNA position 61483, C replaced by G.
Protein change: p.Arg20495Gly; replaces arginine 20495 with glycine.
Molecular consequence: missense variant.
Genome position (GRCh38, 1-based): chr2:178,590,242, G>C on the plus strand (C>G on the coding strand, the complement: TTN is on the minus strand). VCF-style: chr2-178590242-G-C. GRCh37 (hg19) VCF-style: chr2-179454969-G-C.
Other names: c.56560C>G, p.Arg18854Gly (NM_001256850.1); c.34288C>G, p.Arg11430Gly (NM_003319.4); c.53779C>G, p.Arg17927Gly (NM_133378.4); c.34663C>G, p.Arg11555Gly (NM_133432.3); c.34864C>G, p.Arg11622Gly (NM_133437.4); short protein forms R11430G, R11555G, R11622G, R18854G, R20495G, R17927G.
Identifiers: ClinVar variation 669364 (VCV000669364.4), dbSNP rs370128504, ClinGen allele CA1992359.

ClinVar aggregate classification (germline): Conflicting classifications of pathogenicity. Review status: criteria provided, conflicting classifications (1 of 4 stars). 2 submissions from 2 submitters: Uncertain significance (1); Likely benign (1). Last evaluated 2019-07-13.

Allele frequency attached by ClinVar (database versions not stated): TOPMed 0.00001.
gnomAD v4.1: 8 of 1,588,712 alleles (0.0005%); highest among the groups gnomAD compares: Admixed American, 0.012%; no homozygotes.

Submissions (2):

Revvity Omics, Revvity
Classification: Uncertain significance. Last evaluated: 2019-07-13. Review status: criteria provided, single submitter. Criteria: ACMG Guidelines, 2015. Collection method: clinical testing. Allele origin: germline.

GeneDx
Classification: Likely benign. Last evaluated: 2018-05-29. Review status: criteria provided, single submitter. Criteria: GeneDx Variant Classification (06012015). Collection method: clinical testing. Allele origin: germline. Affected: yes.
Comment: This variant is considered likely benign or benign based on one or more of the following criteria: it is a conservative change, it occurs at a poorly conserved position in the protein, it is predicted to be benign by multiple in silico algorithms, and/or has population frequency not consistent with disease.